The following is an entry in ClinVar:

ClinVar aggregate classification (germline): Benign (1 of 4 stars; one submission).

Allele frequency attached by ClinVar (database versions not stated): 1000 Genomes Project 30x 0.00109; ExAC below 0.00001; gnomAD exomes 0.00009; TOPMed 0.00043; gnomAD 0.00054; 1000 Genomes Project 0.00080.
gnomAD v4.1: 112 of 1,411,242 alleles (0.0079%); highest among the groups gnomAD compares: African/African-American, 0.15%; 1 homozygote.

Submission:

GeneDx
Classification: Benign. Last evaluated: 2014-03-14. Review status: criteria provided, single submitter. Criteria: GeneDx Variant Classification (06012015). Collection method: clinical testing. Allele origin: germline. Affected: yes.
Comment: This variant is considered likely benign or benign based on one or more of the following criteria: it is a conservative change, it occurs at a poorly conserved position in the protein, it is predicted to be benign by multiple in silico algorithms, and/or has population frequency not consistent with disease.

NM_001330078.2(NRXN1):c.-21C>A

Gene: NRXN1 (neurexin 1; minus strand). Cytogenetic location: 2p16.3.
Variant type: single nucleotide variant.
Coding change: c.-21C>A on transcript NM_001330078.2 (MANE Select); 21 bases upstream of the start codon, C replaced by A.
Molecular consequence: 5 prime UTR variant.
Genome position (GRCh38, 1-based): chr2:51,028,294, G>T on the plus strand (C>A on the coding strand, the complement: NRXN1 is on the minus strand). VCF-style: chr2-51028294-G-T. GRCh37 (hg19) VCF-style: chr2-51255432-G-T.
Other names: c.-21C>A (NM_001135659.3, NM_001330077.2, NM_001330079.2 and 15 more transcripts).
Identifiers: ClinVar variation 206200 (VCV000206200.1), dbSNP rs576405440, ClinGen allele CA316053.